The following is an entry in ClinVar:

ClinVar aggregate classification (germline): Benign. Review status: criteria provided, multiple submitters, no conflicts (2 of 4 stars). 5 submissions from 4 submitters: Benign (5). Last evaluated 2021-07-10.

Conditions:
Autosomal recessive nonsyndromic hearing loss 18A. Also called: DEAFNESS, AUTOSOMAL RECESSIVE 18; Deafness, autosomal recessive 18A. Identifiers: Orphanet 90636, MedGen C1865870, MONDO:0011192, OMIM 602092.
Usher syndrome type 1C. Also called: USHER SYNDROME, TYPE I, ACADIAN VARIETY. Identifiers: Orphanet 231169, Orphanet 886, MedGen C1848604, MONDO:0010171, OMIM 276904.

Allele frequency attached by ClinVar (database versions not stated): 1000 Genomes Project 0.38259; 1000 Genomes Project 30x 0.38382; TOPMed 0.43915; gnomAD exomes 0.44372; gnomAD 0.44692 and 0.45185.
gnomAD v4.1: 272,289 of 612,558 alleles (44%); highest among the groups gnomAD compares: Non-Finnish European, 47%; 61,875 homozygotes.

Submissions (5):

Genome-Nilou Lab
Classification: Benign for Usher syndrome type 1C. Last evaluated: 2021-07-10. Review status: criteria provided, single submitter. Criteria: ACMG Guidelines, 2015. Collection method: clinical testing. Allele origin: germline. Affected: no.

Genome-Nilou Lab
Classification: Benign for Autosomal recessive nonsyndromic hearing loss 18A. Last evaluated: 2021-07-10. Review status: criteria provided, single submitter. Criteria: ACMG Guidelines, 2015. Collection method: clinical testing. Allele origin: germline. Affected: no.

GeneDx
Classification: Benign. Last evaluated: 2018-07-07. Review status: criteria provided, single submitter. Criteria: GeneDx Variant Classification Process June 2021. Collection method: clinical testing. Allele origin: germline. Affected: yes.

Illumina Laboratory Services, Illumina
Classification: Benign for Usher syndrome type 1C. Last evaluated: 2018-01-12. Review status: criteria provided, single submitter. Criteria: ICSL Variant Classification Criteria 13 December 2019. Collection method: clinical testing. Allele origin: germline.
Comment: This variant was observed in the ICSL laboratory as part of a predisposition screen in an ostensibly healthy population. It had not been previously curated by ICSL or reported in the Human Gene Mutation Database (HGMD: prior to June 1st, 2018), and was therefore a candidate for classification through an automated scoring system. Utilizing variant allele frequency, disease prevalence and penetrance estimates, and inheritance mode, an automated score was calculated to assess if this variant is too frequent to cause the disease. Based on the score and internal cut-off values, a variant classified as benign is not then subjected to further curation. The score for this variant resulted in a classification of benign for this disease.

Breakthrough Genomics
Classification: Benign. Review status: criteria provided, single submitter. Criteria: ACMG Guidelines, 2015. Collection method: not provided. Allele origin: germline. Inheritance: Autosomal recessive inheritance. Affected: yes.

NM_153676.4(USH1C):c.*211A>G

Gene: USH1C (USH1 protein network component harmonin; minus strand). Cytogenetic location: 11p15.1.
Variant type: single nucleotide variant.
Coding change: c.*211A>G on transcript NM_153676.4 (MANE Select); 211 bases downstream of the stop codon, A replaced by G.
Molecular consequence: 3 prime UTR variant. On other transcripts: non-coding transcript variant (1).
Genome position (GRCh38, 1-based): chr11:17,494,121, T>C on the plus strand (A>G on the coding strand, the complement: USH1C is on the minus strand). VCF-style: chr11-17494121-T-C. GRCh37 (hg19) VCF-style: chr11-17515668-T-C.
Other names: c.*243A>G (NM_001297764.2, NM_005709.4).
Identifiers: ClinVar variation 303796 (VCV000303796.12), dbSNP rs1055581, ClinGen allele CA10637967.